The following is an entry in ClinVar:

NM_182961.4(SYNE1):c.414G>C (p.Leu138Phe)

Gene: SYNE1 (spectrin repeat containing nuclear envelope protein 1; minus strand). Cytogenetic location: 6q25.2.
Variant type: single nucleotide variant.
Coding change: c.414G>C on transcript NM_182961.4 (MANE Select); coding-DNA position 414, G replaced by C.
Protein change: p.Leu138Phe; replaces leucine 138 with phenylalanine.
Molecular consequence: missense variant.
Genome position (GRCh38, 1-based): chr6:152,510,360, C>G on the plus strand (G>C on the coding strand, the complement: SYNE1 is on the minus strand). VCF-style: chr6-152510360-C-G. GRCh37 (hg19) VCF-style: chr6-152831495-C-G.
Other names: c.435G>C, p.Leu145Phe (NM_033071.5); short protein forms L138F, L145F.
Identifiers: ClinVar variation 3026483 (VCV003026483.22), dbSNP rs756799542, ClinGen allele CA4059729.
Genomic context (GRCh38, chr6:152,510,360, plus strand): 5'-TATGCTGTCCACGGAGGATGCGCTGCTGGACAAAGACTGGAGCTGGGGCAGGTTGCTGGT[C>G]AACTCTTCAATCTGTTTGTGAGTTAACAGCCAGCAAAAATATAAGCATTATCTTTGTTAT-3'
Protein context (NP_892006.3, residues 128-148): TIILYFQIEE[Leu138Phe]TSNLPQLQSL

ClinVar aggregate classification (germline): Uncertain significance (1 of 4 stars; one submission).

Allele frequency attached by ClinVar (database versions not stated): ExAC 0.00001.

Submission:

CeGaT Center for Human Genetics Tuebingen
Classification: Uncertain significance. Last evaluated: 2023-12-01. Review status: criteria provided, single submitter. Criteria: CeGaT Center For Human Genetics Tuebingen Variant Classification Criteria Version 2. Collection method: clinical testing. Allele origin: germline. Affected: yes. Observed: 1 variant allele.
Comment: SYNE1: PP3